The following is an entry in ClinVar:

NM_001330311.2(DVL1):c.1A>C (p.Met1Leu)

Gene: DVL1 (dishevelled segment polarity protein 1; minus strand). Cytogenetic location: 1p36.33.
Variant type: single nucleotide variant.
Coding change: c.1A>C on transcript NM_001330311.2 (MANE Select); coding-DNA position 1, A replaced by C.
Protein change: p.Met1Leu; changes the start codon (methionine 1).
Molecular consequence: missense variant, initiator codon variant.
Genome position (GRCh38, 1-based): chr1:1,349,065, T>G on the plus strand (A>C on the coding strand, the complement: DVL1 is on the minus strand). VCF-style: chr1-1349065-T-G. GRCh37 (hg19) VCF-style: chr1-1284445-T-G.
Other names: c.1A>C, p.Met1Leu (NM_004421.3); short protein forms M1L.
Identifiers: ClinVar variation 3670756 (VCV003670756.2).
Genomic context (GRCh38, chr1:1,349,065, plus strand): 5'-GCTTGACCAGGTACGGCGTCTCCTCCTCGTCCATGTGGTAGATAATCTTGGTCTCCGCCA[T>G]GGCGCGGCGGCGGCGCGGAGCCCGCGCGCTCAGGGCCCGGCCCGGGGCTCGGACGCGGGG-3'
Protein context (NP_001317240.1, residues 1-11): [Met1Leu]AETKIIYHMD

ClinVar aggregate classification (germline): Uncertain significance (1 of 4 stars; one submission).

Submission:

Labcorp Genetics (formerly Invitae), Labcorp
Classification: Uncertain significance. Last evaluated: 2024-04-14. Review status: criteria provided, single submitter. Criteria: Invitae Variant Classification Sherloc (09022015). Collection method: clinical testing. Allele origin: germline.
Comment: This sequence change affects the initiator methionine of the DVL1 mRNA. The next in-frame methionine is located at codon 10. This variant is not present in population databases (gnomAD no frequency). This variant has not been reported in the literature in individuals affected with DVL1-related conditions. Experimental studies and prediction algorithms are not available or were not evaluated, and the functional significance of this variant is currently unknown. In summary, the available evidence is currently insufficient to determine the role of this variant in disease. Therefore, it has been classified as a Variant of Uncertain Significance.